The following is an entry in ClinVar:

NM_006262.4(PRPH):c.1190G>A (p.Arg397His)

Genes: PRPH (peripherin; plus strand), TROAP-AS1 (TROAP and PRPH antisense RNA 1; minus strand), LOC124629354 (Sharpr-MPRA regulatory region 11953; plus strand). Cytogenetic location: 12q13.12.
Variant type: single nucleotide variant.
Coding change: c.1190G>A on transcript NM_006262.4 (MANE Select); coding-DNA position 1190, G replaced by A.
Protein change: p.Arg397His; replaces arginine 397 with histidine.
Molecular consequence: missense variant. On other transcripts: non-coding transcript variant (1).
Genome position (GRCh38, 1-based): chr12:49,297,550, G>A. VCF-style: chr12-49297550-G-A. GRCh37 (hg19) VCF-style: chr12-49691333-G-A.
Other names: short protein forms R397H.
Identifiers: ClinVar variation 4821656 (VCV004821656.4).

ClinVar aggregate classification (germline): Uncertain significance (1 of 4 stars; one submission).

gnomAD v4.1: 2 of 1,459,050 alleles (0.00014%); highest among the groups gnomAD compares: East Asian, 0.0033%; no homozygotes.

Submission:

CeGaT Center for Human Genetics Tuebingen
Classification: Uncertain significance. Last evaluated: 2026-01-01. Review status: criteria provided, single submitter. Criteria: CeGaT Center For Human Genetics Tuebingen Variant Classification Criteria Version 2. Collection method: clinical testing. Allele origin: germline. Affected: yes. Observed: 1 variant allele.
Comment: PRPH: PM2